The following is an entry in ClinVar:

ClinVar aggregate classification (germline): Pathogenic (1 of 4 stars; one submission).

Submission:

Labcorp Genetics (formerly Invitae), Labcorp
Classification: Pathogenic. Last evaluated: 2022-02-27. Review status: criteria provided, single submitter. Criteria: Invitae Variant Classification Sherloc (09022015). Collection method: clinical testing. Allele origin: germline.
Comment: This sequence change creates a premature translational stop signal (p.Tyr377*) in the ALPK3 gene. It is expected to result in an absent or disrupted protein product. Loss-of-function variants in ALPK3 are known to be pathogenic (PMID: 21441111, 26846950, 27106955, 34263907). For these reasons, this variant has been classified as Pathogenic. This variant has not been reported in the literature in individuals affected with ALPK3-related conditions. This variant is not present in population databases (gnomAD no frequency).

Literature cited by the submitters: PubMed 21441111; PubMed 26846950; PubMed 27106955; PubMed 34263907.

NM_020778.5(ALPK3):c.525C>G (p.Tyr175Ter)

Gene: ALPK3 (alpha kinase 3; plus strand). Cytogenetic location: 15q25.3.
Variant type: single nucleotide variant.
Coding change: c.525C>G on transcript NM_020778.5 (MANE Select); coding-DNA position 525, C replaced by G.
Protein change: p.Tyr175Ter; replaces tyrosine 175 with a stop codon.
Molecular consequence: nonsense.
Genome position (GRCh38, 1-based): chr15:84,839,804, C>G. VCF-style: chr15-84839804-C-G. GRCh37 (hg19) VCF-style: chr15-85383035-C-G.
Other names: short protein forms Y175*.
Identifiers: ClinVar variation 2104028 (VCV002104028.4), dbSNP rs1963635852, ClinGen allele CA393372754.